The following is an entry in ClinVar:

ClinVar aggregate classification (germline): Pathogenic. Review status: criteria provided, multiple submitters, no conflicts (2 of 4 stars). 3 submissions from 3 submitters: Pathogenic (2). 1 of the submissions does not count toward it. Last evaluated 2025-07-08.

Conditions:
Usher syndrome. Also called: Usher's syndrome; Usher Syndromes. Identifiers: Orphanet 886, MedGen CN469326, MeSH D052245, MONDO:0019501. Disease mechanism: loss of function.
Usher syndrome type 2A. Also called: RETINAL DISEASE IN USHER SYNDROME TYPE IIA, MODIFIER OF; USHER SYNDROME, TYPE IIA. Identifiers: Orphanet 231178, Orphanet 886, MedGen C1848634, MONDO:0010169, OMIM 276901.

Submissions (3):

Women's Health and Genetics/Laboratory Corporation of America, LabCorp
Classification: Pathogenic for Usher syndrome. Last evaluated: 2025-07-08. Review status: criteria provided, single submitter. Criteria: LabCorp Variant Classification Summary - May 2015. Collection method: clinical testing. Allele origin: germline.
Comment: Variant summary: USH2A c.2149T>A (p.Cys717Ser) results in a non-conservative amino acid change in the encoded protein sequence. Algorithms developed to predict the effect of missense changes on protein structure and function all suggest that this variant is likely to be disruptive. The variant was absent in 250934 control chromosomes. c.2149T>A has been observed in the homozygous and compound heterozygous state in individuals affected with Usher Syndrome (Mansard_2021, Su_2022, Arias_2023). These data indicate that the variant is likely to be associated with disease. A different variant affecting the same codon has been classified as likely pathogenic/pathogenic by our lab (c.2149T>G, p.Cys717Gly), supporting the critical relevance of codon 717 to USH2A protein function. To our knowledge, no experimental evidence demonstrating an impact on protein function has been reported. The following publications have been ascertained in the context of this evaluation (PMID: 37648803, 34948090, 36034145). ClinVar contains an entry for this variant (Variation ID: 954433). Based on the evidence outlined above, the variant was classified as pathogenic.

Labcorp Genetics (formerly Invitae), Labcorp
Classification: Pathogenic. Last evaluated: 2022-09-27. Review status: criteria provided, single submitter. Criteria: Invitae Variant Classification Sherloc (09022015). Collection method: clinical testing. Allele origin: germline.
Comment: For these reasons, this variant has been classified as Pathogenic. This variant disrupts the p.Cys717 amino acid residue in USH2A. Other variant(s) that disrupt this residue have been determined to be pathogenic (PMID: 24498627, 26629787, 26654877). This suggests that this residue is clinically significant, and that variants that disrupt this residue are likely to be disease-causing. Advanced modeling of protein sequence and biophysical properties (such as structural, functional, and spatial information, amino acid conservation, physicochemical variation, residue mobility, and thermodynamic stability) performed at Invitae indicates that this missense variant is expected to disrupt USH2A protein function. ClinVar contains an entry for this variant (Variation ID: 954433). This missense change has been observed in individual(s) with Usher syndrome (Invitae). This variant is not present in population databases (gnomAD no frequency). This sequence change replaces cysteine, which is neutral and slightly polar, with serine, which is neutral and polar, at codon 717 of the USH2A protein (p.Cys717Ser).

Natera, Inc.
Classification: Uncertain significance for Usher syndrome type 2A. Last evaluated: 2020-03-10. Review status: flagged submission. Collection method: clinical testing. Allele origin: germline. Not counted in ClinVar's aggregate classification.
ClinVar note: Reason: Older claim that does not account for recent evidence

Literature cited by the submitters: PubMed 34948090 (cited by Women's Health and Genetics/Laboratory Corporation of America, LabCorp); PubMed 36034145 (cited by Women's Health and Genetics/Laboratory Corporation of America, LabCorp); PubMed 37648803 (cited by Women's Health and Genetics/Laboratory Corporation of America, LabCorp); PubMed 24498627 (cited by Labcorp Genetics (formerly Invitae), Labcorp); PubMed 26629787 (cited by Labcorp Genetics (formerly Invitae), Labcorp); PubMed 26654877 (cited by Labcorp Genetics (formerly Invitae), Labcorp).

NM_206933.4(USH2A):c.2149T>A (p.Cys717Ser)

Gene: USH2A (usherin; minus strand). Cytogenetic location: 1q41.
Variant type: single nucleotide variant.
Coding change: c.2149T>A on transcript NM_206933.4 (MANE Select); coding-DNA position 2149, T replaced by A.
Protein change: p.Cys717Ser; replaces cysteine 717 with serine.
Molecular consequence: missense variant.
Genome position (GRCh38, 1-based): chr1:216,250,921, A>T on the plus strand (T>A on the coding strand, the complement: USH2A is on the minus strand). VCF-style: chr1-216250921-A-T. GRCh37 (hg19) VCF-style: chr1-216424263-A-T.
Other names: c.2149T>A, p.Cys717Ser (NM_007123.6); short protein forms C717S.
Identifiers: ClinVar variation 954433 (VCV000954433.8), dbSNP rs1304016981, ClinGen allele CA344866073.